The following is an entry in ClinVar:

NM_007347.5(AP4E1):c.547A>G (p.Ile183Val)

Gene: AP4E1 (adaptor related protein complex 4 subunit epsilon 1; plus strand). Cytogenetic location: 15q21.2.
Variant type: single nucleotide variant.
Coding change: c.547A>G on transcript NM_007347.5 (MANE Select); coding-DNA position 547, A replaced by G.
Protein change: p.Ile183Val; replaces isoleucine 183 with valine.
Molecular consequence: missense variant.
Genome position (GRCh38, 1-based): chr15:50,929,013, A>G. VCF-style: chr15-50929013-A-G. GRCh37 (hg19) VCF-style: chr15-51221210-A-G.
Other names: c.322A>G, p.Ile108Val (NM_001252127.2); short protein forms I108V, I183V.
Identifiers: ClinVar variation 4085851 (VCV004085851.8).

ClinVar aggregate classification (germline): Uncertain significance (1 of 4 stars; one submission).

gnomAD v4.1: 12 of 1,613,714 alleles (0.00074%); highest among the groups gnomAD compares: Non-Finnish European, 0.001%; no homozygotes.

Submission:

CeGaT Center for Human Genetics Tuebingen
Classification: Uncertain significance. Last evaluated: 2025-08-01. Review status: criteria provided, single submitter. Criteria: CeGaT Center For Human Genetics Tuebingen Variant Classification Criteria Version 2. Collection method: clinical testing. Allele origin: germline. Affected: yes. Observed: 1 variant allele.
Comment: AP4E1: PM2